The following is an entry in ClinVar:

NM_005560.6(LAMA5):c.9503C>T (p.Pro3168Leu)

Gene: LAMA5 (laminin subunit alpha 5; minus strand). Cytogenetic location: 20q13.33.
Variant type: single nucleotide variant.
Coding change: c.9503C>T on transcript NM_005560.6 (MANE Select); coding-DNA position 9503, C replaced by T.
Protein change: p.Pro3168Leu; replaces proline 3168 with leucine.
Molecular consequence: missense variant.
Genome position (GRCh38, 1-based): chr20:62,312,174, G>A on the plus strand (C>T on the coding strand, the complement: LAMA5 is on the minus strand). VCF-style: chr20-62312174-G-A. GRCh37 (hg19) VCF-style: chr20-60887230-G-A.
Other names: short protein forms P3168L.
Identifiers: ClinVar variation 2420510 (VCV002420510.30), dbSNP rs147777385, ClinGen allele CA9940221.

ClinVar aggregate classification (germline): Conflicting classifications of pathogenicity. Review status: criteria provided, conflicting classifications (1 of 4 stars). 2 submissions from 2 submitters: Uncertain significance (1); Likely benign (1). Last evaluated 2026-01-19.

Allele frequency attached by ClinVar (database versions not stated): ExAC 0.00011; gnomAD 0.00011; TOPMed 0.00015; gnomAD exomes 0.00021; ESP Exome Variant Server 0.00023.
gnomAD v4.1: 331 of 1,610,326 alleles (0.021%); highest among the groups gnomAD compares: Non-Finnish European, 0.024%; 1 homozygote.

Submissions (2):

Labcorp Genetics (formerly Invitae), Labcorp
Classification: Uncertain significance. Last evaluated: 2026-01-19. Review status: criteria provided, single submitter. Criteria: Invitae Variant Classification Sherloc (09022015). Collection method: clinical testing. Allele origin: germline.
Comment: This sequence change replaces proline, which is neutral and non-polar, with leucine, which is neutral and non-polar, at codon 3168 of the LAMA5 protein (p.Pro3168Leu). This variant is present in population databases (rs147777385, gnomAD 0.02%). This variant has not been reported in the literature in individuals affected with LAMA5-related conditions. ClinVar contains an entry for this variant (Variation ID: 2420510). An algorithm developed to predict the effect of missense changes on protein structure and function outputs the following: PolyPhen-2: "Benign". The leucine amino acid residue is found in multiple mammalian species, which suggests that this missense change does not adversely affect protein function. In summary, the available evidence is currently insufficient to determine the role of this variant in disease. Therefore, it has been classified as a Variant of Uncertain Significance.

CeGaT Center for Human Genetics Tuebingen
Classification: Likely benign. Last evaluated: 2024-01-01. Review status: criteria provided, single submitter. Criteria: CeGaT Center For Human Genetics Tuebingen Variant Classification Criteria Version 2. Collection method: clinical testing. Allele origin: germline. Affected: yes. Observed: 2 variant alleles.
Comment: LAMA5: BP4